The following is an entry in ClinVar:

NM_020964.3(EPG5):c.4522C>T (p.Pro1508Ser)

Gene: EPG5 (ectopic P-granules 5 autophagy tethering factor; minus strand). Cytogenetic location: 18q21.1.
Variant type: single nucleotide variant.
Coding change: c.4522C>T on transcript NM_020964.3 (MANE Select); coding-DNA position 4522, C replaced by T.
Protein change: p.Pro1508Ser; replaces proline 1508 with serine.
Molecular consequence: missense variant.
Genome position (GRCh38, 1-based): chr18:45,901,120, G>A on the plus strand (C>T on the coding strand, the complement: EPG5 is on the minus strand). VCF-style: chr18-45901120-G-A. GRCh37 (hg19) VCF-style: chr18-43481085-G-A.
Other names: c.4522C>T, p.Pro1508Ser (LRG_1234t1); short protein forms P1508S.
Identifiers: ClinVar variation 652646 (VCV000652646.6), dbSNP rs199718702, ClinGen allele CA8948831.
Genomic context (GRCh38, chr18:45,901,120, plus strand): 5'-ATAGCACAGCAGAGGAAATAACTGGCACAGGAGGCTTCGTCGGGTGCAGAGCAAGGGGAG[G>A]CTGGGGAGCCTCATGCTTCCGCAAGTTACTTAAAACCCTTTCTTTAGCTGAAAGAAAATT-3'
Protein context (NP_066015.2, residues 1498-1518): SNLRKHEAPQ[Pro1508Ser]PLALHPTKPP

ClinVar aggregate classification (germline): Uncertain significance. Review status: criteria provided, multiple submitters, no conflicts (2 of 4 stars). 2 submissions from 2 submitters: Uncertain significance (2). Last evaluated 2025-04-30.

Conditions:
Vici syndrome (VICIS). Identifiers: Orphanet 1493, MedGen C1855772, MONDO:0009452, OMIM 242840.
Inborn genetic diseases. Identifiers: MedGen C0950123, MeSH D030342.

Allele frequency attached by ClinVar (database versions not stated): gnomAD 0.00021 and 0.00019; 1000 Genomes Project 30x 0.00047; ExAC 0.00006; gnomAD exomes 0.00004 and 0.00001; TOPMed 0.00022; ESP Exome Variant Server 0.00033; 1000 Genomes Project 0.00040.
gnomAD v4.1: 44 of 1,614,148 alleles (0.0027%); highest among the groups gnomAD compares: African/African-American, 0.057%; no homozygotes.

Submissions (2):

Ambry Genetics
Classification: Uncertain significance for Inborn genetic diseases. Last evaluated: 2025-04-30. Review status: criteria provided, single submitter. Criteria: Ambry Variant Classification Scheme 2023. Collection method: clinical testing. Allele origin: germline.

Labcorp Genetics (formerly Invitae), Labcorp
Classification: Uncertain significance for Vici syndrome. Last evaluated: 2022-07-25. Review status: criteria provided, single submitter. Criteria: Invitae Variant Classification Sherloc (09022015). Collection method: clinical testing. Allele origin: germline.
Comment: This sequence change replaces proline, which is neutral and non-polar, with serine, which is neutral and polar, at codon 1508 of the EPG5 protein (p.Pro1508Ser). This variant is present in population databases (rs199718702, gnomAD 0.07%). This variant has not been reported in the literature in individuals affected with EPG5-related conditions. ClinVar contains an entry for this variant (Variation ID: 652646). Algorithms developed to predict the effect of missense changes on protein structure and function are either unavailable or do not agree on the potential impact of this missense change (SIFT: "Tolerated"; PolyPhen-2: "Probably Damaging"; Align-GVGD: "Class C0"). In summary, the available evidence is currently insufficient to determine the role of this variant in disease. Therefore, it has been classified as a Variant of Uncertain Significance.